The following is an entry in ClinVar:

ClinVar aggregate classification (germline): Pathogenic (1 of 4 stars; one submission).

Submission:

Labcorp Genetics (formerly Invitae), Labcorp
Classification: Pathogenic. Last evaluated: 2023-09-22. Review status: criteria provided, single submitter. Criteria: Invitae Variant Classification Sherloc (09022015). Collection method: clinical testing. Allele origin: germline.
Comment: This sequence change creates a premature translational stop signal (p.Trp1210*) in the CPLANE1 gene. It is expected to result in an absent or disrupted protein product. Loss-of-function variants in CPLANE1 are known to be pathogenic (PMID: 24178751, 26092869). This variant is not present in population databases (gnomAD no frequency). This variant has not been reported in the literature in individuals affected with CPLANE1-related conditions. For these reasons, this variant has been classified as Pathogenic.

Literature cited by the submitters: PubMed 24178751; PubMed 26092869.

NM_001384732.1(CPLANE1):c.3630_3631del (p.Trp1210_Tyr1211delinsTer)

Gene: CPLANE1 (ciliogenesis and planar polarity effector complex subunit 1; minus strand). Cytogenetic location: 5p13.2.
Variant type: Deletion.
Coding change: c.3630_3631del on transcript NM_001384732.1 (MANE Select); coding-DNA positions 3630 to 3631, 2 bases deleted (GT; older notation c.3630_3631delGT).
Protein change: p.Trp1210_Tyr1211delinsTer.
Molecular consequence: nonsense.
Genome position (GRCh38, 1-based): chr5:37,198,743-37,198,744, AC deleted on the plus strand (GT on the coding strand, the reverse complement: CPLANE1 is on the minus strand). VCF-style (leftmost placement, unchanged base first): chr5-37198742-TAC-T. GRCh37 (hg19) VCF-style: chr5-37198844-TAC-T.
Other names: c.3630_3631del, p.Trp1210_Tyr1211delinsTer (NM_023073.4).
Identifiers: ClinVar variation 2859776 (VCV002859776.3), dbSNP rs2548105720, ClinGen allele CA2739274665.